The following is an entry in ClinVar:

ClinVar aggregate classification (germline): Uncertain significance. Review status: criteria provided, multiple submitters, no conflicts (2 of 4 stars). 4 submissions from 4 submitters: Uncertain significance (4). Last evaluated 2025-10-13.

Conditions:
Cardiovascular phenotype. Identifiers: MedGen CN230736.
TTN-related disorder. Also called: TTN-related condition; TTN-related disease; TTN-related disorders.
Dilated cardiomyopathy 1G (CMD1G). Identifiers: Orphanet 154, MedGen C1858763, MONDO:0011400, OMIM 604145.
Autosomal recessive limb-girdle muscular dystrophy type 2J (LGMDR10). Also called: MUSCULAR DYSTROPHY, LIMB-GIRDLE, AUTOSOMAL RECESSIVE 10; Limb-girdle muscular dystrophy, type 2J. Identifiers: Orphanet 140922, MedGen C1837342, MONDO:0012127, OMIM 608807.

Allele frequency attached by ClinVar (database versions not stated): gnomAD 0.00002 and 0.00003; gnomAD exomes 0.00002 and 0.00008; TOPMed 0.00002; ExAC 0.00009.
gnomAD v4.1: 42 of 1,613,270 alleles (0.0026%); highest among the groups gnomAD compares: Middle Eastern, 0.082%; no homozygotes.

Submissions (4):

PreventionGenetics, part of Exact Sciences
Classification: Uncertain significance for TTN-related condition. Last evaluated: 2025-10-13. Review status: criteria provided, single submitter. Criteria: ACMG Guidelines, 2015. Collection method: clinical testing. Allele origin: germline.
Comment: The TTN c.64816G>C variant is predicted to result in the amino acid substitution p.Asp21606His. To our knowledge, this variant has not been reported in the literature. This variant is reported in 0.014% of alleles in individuals of European (Non-Finnish) descent in gnomAD. At this time, the clinical significance of this variant is uncertain due to the absence of conclusive functional and genetic evidence.

Women's Health and Genetics/Laboratory Corporation of America, LabCorp
Classification: Uncertain significance. Last evaluated: 2022-12-04. Review status: criteria provided, single submitter. Criteria: LabCorp Variant Classification Summary - May 2015. Collection method: clinical testing. Allele origin: germline.

Ambry Genetics
Classification: Uncertain significance for Cardiovascular phenotype. Last evaluated: 2018-10-31. Review status: criteria provided, single submitter. Criteria: Ambry Variant Classification Scheme 2023. Collection method: clinical testing. Allele origin: germline.
Comment: The p.D12541H variant (also known as c.37621G>C), located in coding exon 137 of the TTN gene, results from a G to C substitution at nucleotide position 37621. The aspartic acid at codon 12541 is replaced by histidine, an amino acid with similar properties. This amino acid position is well conserved in available vertebrate species. In addition, this alteration is predicted to be tolerated by in silico analysis. Since supporting evidence is limited at this time, the clinical significance of this alteration remains unclear.

Labcorp Genetics (formerly Invitae), Labcorp
Classification: Uncertain significance for Dilated cardiomyopathy 1G; Autosomal recessive limb-girdle muscular dystrophy type 2J. Last evaluated: 2017-08-14. Review status: criteria provided, single submitter. Criteria: Invitae Variant Classification Sherloc (09022015). Collection method: clinical testing. Allele origin: germline.

NM_001267550.2(TTN):c.64816G>C (p.Asp21606His)

Genes: TTN-AS1 (TTN antisense RNA 1; plus strand), TTN (titin; minus strand). Cytogenetic location: 2q31.2.
Variant type: single nucleotide variant.
Coding change: c.64816G>C on transcript NM_001267550.2 (MANE Select); coding-DNA position 64816, G replaced by C.
Protein change: p.Asp21606His; replaces aspartic acid 21606 with histidine.
Molecular consequence: missense variant. On other transcripts: non-coding transcript variant (1).
Genome position (GRCh38, 1-based): chr2:178,584,825, C>G on the plus strand (G>C on the coding strand, the complement: TTN is on the minus strand). VCF-style: chr2-178584825-C-G. GRCh37 (hg19) VCF-style: chr2-179449552-C-G.
Other names: c.59893G>C, p.Asp19965His (NM_001256850.1); c.37621G>C, p.Asp12541His (NM_003319.4); c.57112G>C, p.Asp19038His (NM_133378.4); c.37996G>C, p.Asp12666His (NM_133432.3); c.38197G>C, p.Asp12733His (NM_133437.4); short protein forms D21606H, D12541H, D12733H, D12666H, D19038H, D19965H.
Identifiers: ClinVar variation 535374 (VCV000535374.7), dbSNP rs751046367, ClinGen allele CA1991834.